The following is an entry in ClinVar:

ClinVar aggregate classification (germline): Uncertain significance (1 of 4 stars; one submission).

Submission:

Labcorp Genetics (formerly Invitae), Labcorp
Classification: Uncertain significance. Last evaluated: 2022-05-08. Review status: criteria provided, single submitter. Criteria: Invitae Variant Classification Sherloc (09022015). Collection method: clinical testing. Allele origin: germline.
Comment: In summary, the available evidence is currently insufficient to determine the role of this variant in disease. Therefore, it has been classified as a Variant of Uncertain Significance. Algorithms developed to predict the effect of sequence changes on RNA splicing suggest that this variant may disrupt the consensus splice site. This variant has not been reported in the literature in individuals affected with ACACA-related conditions. This variant is not present in population databases (gnomAD no frequency). This sequence change falls in intron 15 of the ACACA gene. It does not directly change the encoded amino acid sequence of the ACACA protein.

NM_198834.3(ACACA):c.1330-4T>A

Gene: ACACA (acetyl-CoA carboxylase alpha; minus strand). Cytogenetic location: 17q12.
Variant type: single nucleotide variant.
Coding change: c.1330-4T>A on transcript NM_198834.3 (MANE Select); 4 bases into the intron before coding-DNA position 1330, T replaced by A.
Molecular consequence: intron variant.
Genome position (GRCh38, 1-based): chr17:37,259,534, A>T on the plus strand (T>A on the coding strand, the complement: ACACA is on the minus strand). VCF-style: chr17-37259534-A-T. GRCh37 (hg19) VCF-style: chr17-35616456-A-T.
Other names: c.1219-4T>A (NM_198839.3, NM_198836.3); c.1045-4T>A (NM_198837.2); c.985-4T>A (NM_198838.2).
Identifiers: ClinVar variation 2074684 (VCV002074684.4), dbSNP rs2546509571, ClinGen allele CA2580093601.